The following is an entry in ClinVar:

ClinVar aggregate classification (germline): Uncertain significance. Review status: criteria provided, multiple submitters, no conflicts (2 of 4 stars). 3 submissions from 3 submitters: Uncertain significance (3). Last evaluated 2023-07-13.

Conditions:
Tuberous sclerosis 2 (TSC2). Identifiers: Orphanet 805, MedGen C1860707, MONDO:0013199, OMIM 613254.
Hereditary cancer-predisposing syndrome. Also called: Neoplastic Syndromes, Hereditary; Tumor predisposition; Hereditary neoplastic syndrome; Hereditary Cancer Syndrome. Identifiers: Orphanet 140162, MedGen C0027672, MeSH D009386, MONDO:0015356.

Allele frequency attached by ClinVar (database versions not stated): TOPMed 0.00001.

Submissions (3):

Foundation for Research in Genetics and Endocrinology, FRIGE's Institute of Human Genetics
Classification: Uncertain significance for Tuberous sclerosis 2. Last evaluated: 2023-07-13. Review status: criteria provided, single submitter. Criteria: ACMG Guidelines, 2015. Collection method: clinical testing. Allele origin: germline. Inheritance: Autosomal dominant inheritance. Affected: yes. Observed: 1 heterozygote.
Comment: A heterozygous missense variant in exon 13 of the TSC2 gene that results in the amino acid substitution of Glutamine for Glutamic acid at codon 420 (p.Glu420Gln) was detected. The p.Glu420Gln variant has not been reported in the 1000 genomes, gnomAD (v3.1) and gnomdAD (v2) databases and has a minor allele frequency of 0.001% in topmed database. The in silico predictions of the variant are probably damaging by PolyPhen-2 (HumDiv) and damaging by SIFT. The reference codon is conserved across species. In summary, the variant meets our criteria to be classified as a variant of uncertain significance.

Labcorp Genetics (formerly Invitae), Labcorp
Classification: Uncertain significance for Tuberous sclerosis 2. Last evaluated: 2023-03-03. Review status: criteria provided, single submitter. Criteria: Invitae Variant Classification Sherloc (09022015). Collection method: clinical testing. Allele origin: germline.
Comment: This variant has not been reported in the literature in individuals affected with TSC2-related conditions. ClinVar contains an entry for this variant (Variation ID: 1762397). An algorithm developed to predict the effect of missense changes on protein structure and function (PolyPhen-2) suggests that this variant is likely to be disruptive. Algorithms developed to predict the effect of sequence changes on RNA splicing suggest that this variant may create or strengthen a splice site. In summary, the available evidence is currently insufficient to determine the role of this variant in disease. Therefore, it has been classified as a Variant of Uncertain Significance. This variant is not present in population databases (gnomAD no frequency). This sequence change replaces glutamic acid, which is acidic and polar, with glutamine, which is neutral and polar, at codon 420 of the TSC2 protein (p.Glu420Gln).

Ambry Genetics
Classification: Uncertain significance for Hereditary cancer-predisposing syndrome. Last evaluated: 2021-11-05. Review status: criteria provided, single submitter. Criteria: Ambry Variant Classification Scheme 2023. Collection method: clinical testing. Allele origin: germline.
Comment: The p.E420Q variant (also known as c.1258G>C) is located in coding exon 12 of the TSC2 gene. The glutamic acid at codon 420 is replaced by glutamine, an amino acid with highly similar properties. This change occurs in the first base pair of coding exon 12. This amino acid position is not well conserved in available vertebrate species. In addition, the in silico prediction for this alteration is inconclusive. In silico splice site analysis predicts that this alteration will result in the creation or strengthening of a novel splice acceptor site. RNA studies have demonstrated that this alteration results in a transcript predicted to lead to a protein with an in-frame deletion of 1 amino acid; however, the exact functional impact of the deleted amino acid is unknown at this time (Ambry internal data). Since supporting evidence is limited at this time, the clinical significance of this alteration remains unclear.

NM_000548.5(TSC2):c.1258G>C (p.Glu420Gln)

Gene: TSC2 (TSC complex subunit 2; plus strand). Cytogenetic location: 16p13.3.
Variant type: single nucleotide variant.
Coding change: c.1258G>C on transcript NM_000548.5 (MANE Select); coding-DNA position 1258, G replaced by C.
Protein change: p.Glu420Gln; replaces glutamic acid 420 with glutamine.
Molecular consequence: missense variant.
Genome position (GRCh38, 1-based): chr16:2,062,497, G>C. VCF-style: chr16-2062497-G-C. GRCh37 (hg19) VCF-style: chr16-2112498-G-C.
Other names: p.Glu420Gln; c.1258G>C, p.Glu420Gln (NM_001077183.3, NM_001114382.3, NM_001363528.2 and 6 more transcripts); c.1147G>C, p.Glu383Gln (NM_001318827.2, NM_001406670.1, NM_001406678.1); c.1111G>C, p.Glu371Gln (NM_001318829.2, NM_001406675.1, NM_001406676.1 and 1 more transcripts); c.658G>C, p.Glu220Gln (NM_001318831.2, NM_001406680.1, NM_001406682.1 and 6 more transcripts); c.1291G>C, p.Glu431Gln (NM_001318832.2); c.1348G>C, p.Glu450Gln (NM_001406667.1, NM_001406668.1); c.1246G>C, p.Glu416Gln (NM_001406671.1, NM_001406673.1); and 4 more; short protein forms E371Q, E420Q, E266Q, E401Q, E220Q, E383Q, E416Q, E450Q.
Identifiers: ClinVar variation 1762397 (VCV001762397.8), dbSNP rs796053484, ClinGen allele CA276777711.
Genomic context (GRCh38, chr16:2,062,497, plus strand): 5'-AGTGTGGAGAAGGAGAGCGCCGGAGGGGCAGAGGGGCAACACCGGCTCTTCTTTTGACAG[G>C]AGTCCTCCCTCCTGAACCTGATCTCCTATAGAGCGCAGTCCATCCACCCGGCCAAGGACG-3'
Protein context (NP_000539.2, residues 410-430): LVERCADQRP[Glu420Gln]SSLLNLISYR